The following is an entry in ClinVar:

ClinVar aggregate classification (germline): Uncertain significance (1 of 4 stars; one submission).

Conditions:
Congenital myasthenic syndrome 12 (CMS12). Also called: Myasthenia, congenital, 12, with tubular aggregates; MYASTHENIC SYNDROME, CONGENITAL, WITH TUBULAR AGGREGATES 1. Identifiers: Orphanet 353327, Orphanet 590, MedGen C3552335, MONDO:0012518, OMIM 610542.

Submission:

Labcorp Genetics (formerly Invitae), Labcorp
Classification: Uncertain significance for Congenital myasthenic syndrome 12. Last evaluated: 2020-08-16. Review status: criteria provided, single submitter. Criteria: Invitae Variant Classification Sherloc (09022015). Collection method: clinical testing. Allele origin: germline.
Comment: In summary, the available evidence is currently insufficient to determine the role of this variant in disease. Therefore, it has been classified as a Variant of Uncertain Significance. Experimental studies and prediction algorithms are not available or were not evaluated, and the functional significance of this variant is currently unknown. This variant has not been reported in the literature in individuals with GFPT1-related conditions. This variant results in a copy number gain of the genomic region encompassing the full coding sequence of the GFPT1 gene. The boundaries of this event are unknown as they extend beyond the assayed region for this gene and therefore may encompass additional genes. As the precise location of this event is unknown, it may be in tandem or it may be located elsewhere in the genome.

NC_000002.11:g.(?_69553299)_(69614213_?)dup

Gene: GFPT1 (glutamine--fructose-6-phosphate transaminase 1; minus strand). Cytogenetic location: 2p13.3.
Variant type: Duplication.
Identifiers: ClinVar variation 1022725 (VCV001022725.3).